The following is an entry in ClinVar:

ClinVar aggregate classification (germline): Benign/Likely benign. Review status: criteria provided, multiple submitters, no conflicts (2 of 4 stars). 4 submissions from 4 submitters: Benign (1); Likely benign (2). 1 of the submissions does not count toward it. Last evaluated 2026-04-21.

Conditions:
Hereditary cancer-predisposing syndrome. Also called: Hereditary Cancer Syndrome; Neoplastic Syndromes, Hereditary; Hereditary neoplastic syndrome; Tumor predisposition. Identifiers: Orphanet 140162, MedGen C0027672, MeSH D009386, MONDO:0015356.
DICER1-related disorder. Also called: DICER1-related condition.
DICER1-related tumor predisposition. Also called: DICER1-related pleuropulmonary blastoma cancer predisposition syndrome; DICER1 syndrome. Identifiers: Orphanet 284343, MedGen C3839822, MONDO:0100216.

Allele frequency attached by ClinVar (database versions not stated): gnomAD exomes 0.00004; gnomAD 0.00002; ExAC 0.00001; TOPMed 0.00001.
gnomAD v4.1: 20 of 1,613,920 alleles (0.0012%); highest among the groups gnomAD compares: East Asian, 0.018%; no homozygotes.

Submissions (4):

Myriad Genetics, Inc.
Classification: Benign for DICER1-related tumor predisposition. Last evaluated: 2026-04-21. Review status: criteria provided, single submitter. Criteria: Myriad Autosomal Dominant, Autosomal Recessive and X-Linked Classification Criteria (2023). Collection method: clinical testing. Allele origin: unknown.
Comment: This variant is considered benign. This variant is a silent/synonymous amino acid change and it is not expected to impact splicing.

Labcorp Genetics (formerly Invitae), Labcorp
Classification: Likely benign for DICER1-related tumor predisposition. Last evaluated: 2026-01-10. Review status: criteria provided, single submitter. Criteria: Invitae Variant Classification Sherloc (09022015). Collection method: clinical testing. Allele origin: germline.

Ambry Genetics
Classification: Likely benign for Hereditary cancer-predisposing syndrome. Last evaluated: 2017-06-21. Review status: criteria provided, single submitter. Criteria: Ambry Variant Classification Scheme 2023. Collection method: clinical testing. Allele origin: germline.

PreventionGenetics, part of Exact Sciences
Classification: Likely benign for DICER1-related condition. Last evaluated: 2024-04-05. Review status: no assertion criteria provided. Collection method: clinical testing. Allele origin: germline. Not counted in ClinVar's aggregate classification.
Comment: This variant is classified as likely benign based on ACMG/AMP sequence variant interpretation guidelines (Richards et al. 2015 PMID: 25741868, with internal and published modifications).

NM_177438.3(DICER1):c.5622C>T (p.Tyr1874=)

Gene: DICER1 (dicer 1, ribonuclease III; minus strand). Cytogenetic location: 14q32.13.
Variant type: single nucleotide variant.
Coding change: c.5622C>T on transcript NM_177438.3 (MANE Select); coding-DNA position 5622, C replaced by T.
Protein change: p.Tyr1874=; no amino-acid change (tyrosine 1874 retained).
Molecular consequence: synonymous variant. On other transcripts: missense variant (1).
Genome position (GRCh38, 1-based): chr14:95,090,645, G>A on the plus strand (C>T on the coding strand, the complement: DICER1 is on the minus strand). VCF-style: chr14-95090645-G-A. GRCh37 (hg19) VCF-style: chr14-95556982-G-A.
Other names: c.5459C>T, p.Thr1820Met (NM_001195573.1); c.5622C>T, p.Tyr1874= (NM_001271282.3, NM_001291628.2, NM_030621.4); short protein forms T1820M.
Identifiers: ClinVar variation 417051 (VCV000417051.20), dbSNP rs769490774, ClinGen allele CA7330612.
Genomic context (GRCh38, chr14:95,090,645, plus strand): 5'-ACCAACACCTTTAAATTTCCCCTTTCCTACTACTTCCACAGTGACTCTGACCTTCCCGTC[G>A]TAAGTTCTCTCAGCCGGGCTGTAAAAAATCCAAACAGCTTGAATTAGAAGTCAGAAGTAT-3'
Protein context (NP_803187.1, residues 1864-1884): TAKFSPAERT[Tyr1874=]DGKVRVTVEV